The following is an entry in ClinVar:

NM_005869.4(CWC27):c.796A>G (p.Ser266Gly)

Gene: CWC27 (CWC27 spliceosome associated cyclophilin; plus strand). Cytogenetic location: 5q12.3.
Variant type: single nucleotide variant.
Coding change: c.796A>G on transcript NM_005869.4 (MANE Select); coding-DNA position 796, A replaced by G.
Protein change: p.Ser266Gly; replaces serine 266 with glycine.
Molecular consequence: missense variant.
Genome position (GRCh38, 1-based): chr5:64,804,244, A>G. VCF-style: chr5-64804244-A-G. GRCh37 (hg19) VCF-style: chr5-64100071-A-G.
Other names: c.796A>G, p.Ser266Gly (NM_001297644.1, NM_001297645.2, NM_001318000.2 and 1 more transcripts); c.796A>G (NM_005869.2); short protein forms S266G.
Identifiers: ClinVar variation 1389461 (VCV001389461.9), dbSNP rs1318855120, ClinGen allele CA359833202.

ClinVar aggregate classification (germline): Conflicting classifications of pathogenicity. Review status: criteria provided, conflicting classifications (1 of 4 stars). 2 submissions from 2 submitters: Uncertain significance (1); Likely benign (1). Last evaluated 2024-02-13.

Conditions:
Inborn genetic diseases. Identifiers: MedGen C0950123, MeSH D030342.

Allele frequency attached by ClinVar (database versions not stated): gnomAD exomes below 0.00001; gnomAD 0.00001; TOPMed 0.00002.
gnomAD v4.1: 3 of 1,605,946 alleles (0.00019%); highest among the groups gnomAD compares: African/African-American, 0.004%; no homozygotes.

Submissions (2):

Ambry Genetics
Classification: Likely benign for Inborn genetic diseases. Last evaluated: 2024-02-13. Review status: criteria provided, single submitter. Criteria: Ambry Variant Classification Scheme 2023. Collection method: clinical testing. Allele origin: germline.

Labcorp Genetics (formerly Invitae), Labcorp
Classification: Uncertain significance. Last evaluated: 2022-10-17. Review status: criteria provided, single submitter. Criteria: Invitae Variant Classification Sherloc (09022015). Collection method: clinical testing. Allele origin: germline.
Comment: This sequence change replaces serine, which is neutral and polar, with glycine, which is neutral and non-polar, at codon 266 of the CWC27 protein (p.Ser266Gly). In summary, the available evidence is currently insufficient to determine the role of this variant in disease. Therefore, it has been classified as a Variant of Uncertain Significance. Algorithms developed to predict the effect of missense changes on protein structure and function output the following: SIFT: "Tolerated"; PolyPhen-2: "Benign"; Align-GVGD: "Class C0". The glycine amino acid residue is found in multiple mammalian species, which suggests that this missense change does not adversely affect protein function. ClinVar contains an entry for this variant (Variation ID: 1389461). This variant has not been reported in the literature in individuals affected with CWC27-related conditions. This variant is not present in population databases (gnomAD no frequency).